The following is an entry in ClinVar:

NM_000391.4(TPP1):c.1471del (p.His491fs)

Gene: TPP1 (tripeptidyl peptidase 1; minus strand). Cytogenetic location: 11p15.4.
Variant type: Deletion.
Coding change: c.1471del on transcript NM_000391.4 (MANE Select); coding-DNA position 1471, one base deleted (C; older notation c.1471delC).
Protein change: p.His491fs; shifts the reading frame from histidine 491.
Molecular consequence: frameshift variant.
Genome position (GRCh38, 1-based): chr11:6,614,946, G deleted on the plus strand (C on the coding strand, the reverse complement: TPP1 is on the minus strand). VCF-style (leftmost placement, unchanged base first): chr11-6614945-TG-T. GRCh37 (hg19) VCF-style: chr11-6636176-TG-T.
Other names: c.1471del (NM_000391.3); c.1471delC (NM_000391.3); short protein forms H491fs.
Identifiers: ClinVar variation 1449721 (VCV001449721.9), dbSNP rs1855554681, ClinGen allele CA1950233445.

ClinVar aggregate classification (germline): Pathogenic/Likely pathogenic. Review status: criteria provided, multiple submitters, no conflicts (2 of 4 stars). 3 submissions from 3 submitters: Pathogenic (1); Likely pathogenic (2). Last evaluated 2025-06-02.

Conditions:
Neuronal ceroid lipofuscinosis 2. Also called: TPP1-Related Neuronal Ceroid-Lipofuscinosis; JANSKY-BIELSCHOWSKY DISEASE NEURONAL CEROID LIPOFUSCINOSIS, LATE INFANTILE. Identifiers: Orphanet 168491, Orphanet 228349, Orphanet 79264, MedGen C1876161, MONDO:0008769, OMIM 204500.

Submissions (3):

Labcorp Genetics (formerly Invitae), Labcorp
Classification: Pathogenic. Last evaluated: 2025-06-02. Review status: criteria provided, single submitter. Criteria: Invitae Variant Classification Sherloc (09022015). Collection method: clinical testing. Allele origin: germline.
Comment: This sequence change creates a premature translational stop signal (p.His491Thrfs*28) in the TPP1 gene. While this is not anticipated to result in nonsense mediated decay, it is expected to disrupt the last 73 amino acid(s) of the TPP1 protein. This variant is not present in population databases (gnomAD no frequency). This premature translational stop signal has been observed in individual(s) with neuronal ceroid lipofuscinosis (PMID: 31489614). ClinVar contains an entry for this variant (Variation ID: 1449721). This variant disrupts a region of the TPP1 protein in which other variant(s) (p.Gln509*) have been determined to be pathogenic (PMID: 10862088). This suggests that this is a clinically significant region of the protein, and that variants that disrupt it are likely to be disease-causing. For these reasons, this variant has been classified as Pathogenic.

Natera, Inc.
Classification: Likely pathogenic for Neuronal ceroid lipofuscinosis 2. Last evaluated: 2024-02-29. Review status: criteria provided, single submitter. Criteria: Natera Variant Classification Schema (03/2026). Collection method: clinical testing. Allele origin: germline.
Comment: The c.1471delC variant in TPP1 is a frameshift variant predicted to shift the reading frame beginning at codon 491 and leads to a stop codon 28 codons downstream. This variant is expected to result in nonsense mediated decay, truncation, or a dysfunctional protein product. This variant is rare in the general population with a frequency below the threshold expected for the associated phenotype(s). This variant has been observed in one or more individuals affected with the associated recessive disease, as either homozygous or compound heterozygous with a second variant (PMID: 3148961). Given the available evidence, this variant is classified as Likely Pathogenic.

GeneDx
Classification: Likely pathogenic. Last evaluated: 2024-01-18. Review status: criteria provided, single submitter. Criteria: GeneDx Variant Classification Process June 2021. Collection method: clinical testing. Allele origin: germline. Affected: yes.
Comment: Observed in a patient with clinical features of neuronal ceroid lipofuscinosis who also possessed a second TPP1 variant (PMID: 31489614); Not observed at significant frequency in large population cohorts (gnomAD); Frameshift variant predicted to result in abnormal protein length as the last 73 amino acids are replaced with 27 different amino acids, and other similar variants have been reported in HGMD; This variant is associated with the following publications: (PMID: 31489614)

Literature cited by the submitters: PubMed 31489614 (cited by Labcorp Genetics (formerly Invitae), Labcorp); PubMed 10862088 (cited by Labcorp Genetics (formerly Invitae), Labcorp); PubMed 3148961 (cited by Natera, Inc.).